The following is an entry in ClinVar:

NM_003632.3(CNTNAP1):c.2703G>A (p.Met901Ile)

Gene: CNTNAP1 (contactin associated protein 1; plus strand). Cytogenetic location: 17q21.2.
Variant type: single nucleotide variant.
Coding change: c.2703G>A on transcript NM_003632.3 (MANE Select); coding-DNA position 2703, G replaced by A.
Protein change: p.Met901Ile; replaces methionine 901 with isoleucine.
Molecular consequence: missense variant.
Genome position (GRCh38, 1-based): chr17:42,692,671, G>A. VCF-style: chr17-42692671-G-A. GRCh37 (hg19) VCF-style: chr17-40844689-G-A.
Other names: p.Met901Ile; short protein forms M901I.
Identifiers: ClinVar variation 1304009 (VCV001304009.13), dbSNP rs146094809, ClinGen allele CA8582125.

ClinVar aggregate classification (germline): Uncertain significance. Review status: criteria provided, multiple submitters, no conflicts (2 of 4 stars). 6 submissions from 6 submitters: Uncertain significance (6). Last evaluated 2026-09-19.

Conditions:
Inborn genetic diseases. Identifiers: MedGen C0950123, MeSH D030342.

Allele frequency attached by ClinVar (database versions not stated): ESP Exome Variant Server 0.00015; gnomAD exomes 0.00017 and 0.00039; gnomAD 0.00019 and 0.00017; TOPMed 0.00020; ExAC 0.00016.

Submissions (6):

GeneDx
Classification: Uncertain significance. Last evaluated: 2026-09-19. Review status: criteria provided, single submitter. Criteria: GeneDx Variant Classification Process June 2021. Collection method: clinical testing. Allele origin: germline.
Comment: Reported previously as a paternally inherited, heterozygous variant of uncertain significance in siblings with hypotonia and seizures who also harbored multiple other variants of uncertain significance and pathogenic variants in other genes (PMID: 38509968); In silico analysis suggests that this missense variant does not alter protein structure/function; This variant is associated with the following publications: (PMID: 38509968)

Labcorp Genetics (formerly Invitae), Labcorp
Classification: Uncertain significance. Last evaluated: 2026-01-12. Review status: criteria provided, single submitter. Criteria: Invitae Variant Classification Sherloc (09022015). Collection method: clinical testing. Allele origin: germline.
Comment: This sequence change replaces methionine, which is neutral and non-polar, with isoleucine, which is neutral and non-polar, at codon 901 of the CNTNAP1 protein (p.Met901Ile). This variant is present in population databases (rs146094809, gnomAD 0.03%). This variant has not been reported in the literature in individuals affected with CNTNAP1-related conditions. ClinVar contains an entry for this variant (Variation ID: 1304009). An algorithm developed to predict the effect of missense changes on protein structure and function (PolyPhen-2) suggests that this variant is likely to be tolerated. In summary, the available evidence is currently insufficient to determine the role of this variant in disease. Therefore, it has been classified as a Variant of Uncertain Significance.

Ambry Genetics
Classification: Uncertain significance for Inborn genetic diseases. Last evaluated: 2025-07-22. Review status: criteria provided, single submitter. Criteria: Ambry Variant Classification Scheme 2023. Collection method: clinical testing. Allele origin: germline.

Mayo Clinic Laboratories, Mayo Clinic
Classification: Uncertain significance. Last evaluated: 2025-04-03. Review status: criteria provided, single submitter. Criteria: ACMG Guidelines, 2015. Collection method: clinical testing. Allele origin: germline. Observed: 1 variant allele.
Comment: BP4

Blueprint Genetics
Classification: Uncertain significance. Last evaluated: 2024-10-02. Review status: criteria provided, single submitter. Criteria: ACMG Guidelines, 2015. Collection method: clinical testing. Allele origin: germline.

Women's Health and Genetics/Laboratory Corporation of America, LabCorp
Classification: Uncertain significance. Last evaluated: 2022-07-31. Review status: criteria provided, single submitter. Criteria: LabCorp Variant Classification Summary - May 2015. Collection method: clinical testing. Allele origin: germline.
Comment: Variant summary: CNTNAP1 c.2703G>A (p.Met901Ile) results in a conservative amino acid change located in the Laminin G domain (IPR001791) of the encoded protein sequence. Four of five in-silico tools predict a benign effect of the variant on protein function. The variant allele was found at a frequency of 0.00017 in 250992 control chromosomes. This frequency does not allow conclusions about variant significance. To our knowledge, no occurrence of c.2703G>A in individuals affected with Neuropathy, Congenital Hypomyelinating, 3/CNTNAP1-related phenotypes and no experimental evidence demonstrating its impact on protein function have been reported. Two clinical diagnostic laboratories have submitted clinical-significance assessments for this variant to ClinVar after 2014 without evidence for independent evaluation. All laboratories classified the variant as uncertain significance. Based on the evidence outlined above, the variant was classified as uncertain significance.

Literature cited by the submitters: PubMed 38509968 (cited by Mayo Clinic Laboratories, Mayo Clinic).